The following is an entry in ClinVar:

NM_000270.4(PNP):c.651T>C (p.Val217=)

Gene: PNP (purine nucleoside phosphorylase; plus strand). Cytogenetic location: 14q11.2.
Variant type: single nucleotide variant.
Coding change: c.651T>C on transcript NM_000270.4 (MANE Select); coding-DNA position 651, T replaced by C.
Protein change: p.Val217=; no amino-acid change (valine 217 retained).
Molecular consequence: synonymous variant.
Genome position (GRCh38, 1-based): chr14:20,475,251, T>C. VCF-style: chr14-20475251-T-C. GRCh37 (hg19) VCF-style: chr14-20943410-T-C.
Identifiers: ClinVar variation 1369698 (VCV001369698.8), dbSNP rs200790798, ClinGen allele CA7082186.
Genomic context (GRCh38, chr14:20,475,251, plus strand): 5'-CCCCAGCTTTGAGACTGTGGCAGAATGTCGTGTGCTGCAGAAGCTGGGAGCAGACGCTGT[T>C]GGTGAGAAGGGGAATTTGGCTGGAAGCTTGAAGAGGGAGGGGTTTAGCAAAATGGGAAGG-3'
Protein context (NP_000261.2, residues 207-227): RVLQKLGADA[Val217=]GMSTVPEVIV

ClinVar aggregate classification (germline): Uncertain significance (1 of 4 stars; one submission).

Conditions:
Purine-nucleoside phosphorylase deficiency. Also called: NUCLEOSIDE PHOSPHORYLASE DEFICIENCY; Immunodeficiency due to purine nucleoside phosphorylase deficiency. Identifiers: Orphanet 760, MedGen C0268125, MONDO:0013171, OMIM 613179.

Allele frequency attached by ClinVar (database versions not stated): TOPMed 0.00001; ExAC 0.00002; gnomAD exomes 0.00002; gnomAD 0.00004; 1000 Genomes Project 30x 0.00016; 1000 Genomes Project 0.00020.
gnomAD v4.1: 29 of 1,610,776 alleles (0.0018%); highest among the groups gnomAD compares: East Asian, 0.0022%; no homozygotes.

Submission:

Labcorp Genetics (formerly Invitae), Labcorp
Classification: Uncertain significance for Purine-nucleoside phosphorylase deficiency. Last evaluated: 2021-12-02. Review status: criteria provided, single submitter. Criteria: Invitae Variant Classification Sherloc (09022015). Collection method: clinical testing. Allele origin: germline.
Comment: This variant has not been reported in the literature in individuals affected with PNP-related conditions. In summary, the available evidence is currently insufficient to determine the role of this variant in disease. Therefore, it has been classified as a Variant of Uncertain Significance. Algorithms developed to predict the effect of sequence changes on RNA splicing suggest that this variant is not likely to affect RNA splicing. This variant is present in population databases (rs200790798, gnomAD 0.008%). This sequence change affects codon 217 of the PNP mRNA. It is a 'silent' change, meaning that it does not change the encoded amino acid sequence of the PNP protein. It affects a nucleotide within the consensus splice site.